The following is an entry in ClinVar:

NM_203290.4(POLR1C):c.656-9C>T

Gene: POLR1C (RNA polymerase I and III subunit C; plus strand). Cytogenetic location: 6p21.1.
Variant type: single nucleotide variant.
Coding change: c.656-9C>T on transcript NM_203290.4 (MANE Select); 9 bases into the intron before coding-DNA position 656, C replaced by T.
Molecular consequence: intron variant.
Genome position (GRCh38, 1-based): chr6:43,520,616, C>T. VCF-style: chr6-43520616-C-T. GRCh37 (hg19) VCF-style: chr6-43488354-C-T.
Other names: p.?; c.656-9C>T (NM_001318876.2, NM_001363658.2).
Identifiers: ClinVar variation 356879 (VCV000356879.18), dbSNP rs113383614, ClinGen allele CA3825538.

ClinVar aggregate classification (germline): Benign. Review status: criteria provided, multiple submitters, no conflicts (2 of 4 stars). 5 submissions from 5 submitters: Benign (5). Last evaluated 2026-02-01.

Conditions:
Treacher Collins syndrome 3 (TCS3). Also called: POLR1C-Related Treacher Collins Syndrome. Identifiers: Orphanet 861, MedGen C1855433, MONDO:0009558, OMIM 248390.

Allele frequency attached by ClinVar (database versions not stated): gnomAD exomes 0.00379 and 0.00956; ESP Exome Variant Server 0.03644; TOPMed 0.03763; ExAC 0.01142; 1000 Genomes Project 0.03235; gnomAD 0.03295 and 0.03573; 1000 Genomes Project 30x 0.03638.
gnomAD v4.1: 10,854 of 1,614,078 alleles (0.67%); highest among the groups gnomAD compares: African/African-American, 11%; 516 homozygotes.

Submissions (5):

Labcorp Genetics (formerly Invitae), Labcorp
Classification: Benign. Last evaluated: 2026-02-01. Review status: criteria provided, single submitter. Criteria: Invitae Variant Classification Sherloc (09022015). Collection method: clinical testing. Allele origin: germline.

Mayo Clinic Laboratories, Mayo Clinic
Classification: Benign. Last evaluated: 2022-03-23. Review status: criteria provided, single submitter. Criteria: ACMG Guidelines, 2015. Collection method: clinical testing. Allele origin: germline. Observed: 13 variant alleles.

Athena Diagnostics
Classification: Benign. Last evaluated: 2019-03-30. Review status: criteria provided, single submitter. Criteria: Athena Diagnostics Criteria. Collection method: clinical testing. Allele origin: germline.

GeneDx
Classification: Benign. Last evaluated: 2018-07-09. Review status: criteria provided, single submitter. Criteria: GeneDx Variant Classification Process June 2021. Collection method: clinical testing. Allele origin: germline. Affected: yes.

Illumina Laboratory Services, Illumina
Classification: Benign for Treacher Collins syndrome 3. Last evaluated: 2018-01-13. Review status: criteria provided, single submitter. Criteria: ICSL Variant Classification Criteria 13 December 2019. Collection method: clinical testing. Allele origin: germline.
Comment: This variant was observed in the ICSL laboratory as part of a predisposition screen in an ostensibly healthy population. It had not been previously curated by ICSL or reported in the Human Gene Mutation Database (HGMD: prior to June 1st, 2018), and was therefore a candidate for classification through an automated scoring system. Utilizing variant allele frequency, disease prevalence and penetrance estimates, and inheritance mode, an automated score was calculated to assess if this variant is too frequent to cause the disease. Based on the score and internal cut-off values, a variant classified as benign is not then subjected to further curation. The score for this variant resulted in a classification of benign for this disease.